The following is an entry in ClinVar:

NM_000341.4(SLC3A1):c.1633C>T (p.Pro545Ser)

Genes: PREPL (prolyl endopeptidase like; minus strand), SLC3A1 (solute carrier family 3 member 1; plus strand). Cytogenetic location: 2p21.
Variant type: single nucleotide variant.
Coding change: c.1633C>T on transcript NM_000341.4 (MANE Select); coding-DNA position 1633, C replaced by T.
Protein change: p.Pro545Ser; replaces proline 545 with serine.
Molecular consequence: missense variant. On other transcripts: 3 prime UTR variant (10).
Genome position (GRCh38, 1-based): chr2:44,320,214, C>T. VCF-style: chr2-44320214-C-T. GRCh37 (hg19) VCF-style: chr2-44547353-C-T.
Other names: c.*1142G>A (NM_001042385.2, NM_001042386.2, NM_001171603.1 and 7 more transcripts); short protein forms P545S.
Identifiers: ClinVar variation 4980951 (VCV004980951.1).
Genomic context (GRCh38, chr2:44,320,214, plus strand): 5'-TTCTTAGAATCAAACACTTACGTAAATACTTTTTTAAAAAAATAGGTCCAAAAGACTCAG[C>T]CCAGATCGGCTTTGAAGTTATATCAAGATTTAAGTCTACTTCATGCCAATGAGCTACTCC-3'
Protein context (NP_000332.2, residues 535-555): TVNVDVQKTQ[Pro545Ser]RSALKLYQDL

ClinVar aggregate classification (germline): Uncertain significance (1 of 4 stars; one submission).

Conditions:
SLC3A1-related disorder. Also called: SLC3A1-related condition.

gnomAD v4.1: 25 of 1,613,484 alleles (0.0015%); highest among the groups gnomAD compares: African/African-American, 0.032%; no homozygotes.

Submission:

PreventionGenetics, part of Exact Sciences
Classification: Uncertain significance for SLC3A1-related condition. Last evaluated: 2026-01-20. Review status: criteria provided, single submitter. Criteria: ACMG Guidelines, 2015. Collection method: clinical testing. Allele origin: germline.
Comment: The SLC3A1 c.1633C>T variant is predicted to result in the amino acid substitution p.Pro545Ser. To our knowledge, this variant has not been reported in the literature. This variant is reported in 0.044% of alleles in individuals of African descent in gnomAD. At this time, the clinical significance of this variant is uncertain due to the absence of conclusive functional and genetic evidence.